The following is an entry in ClinVar:

ClinVar aggregate classification (germline): Uncertain significance. Review status: criteria provided, multiple submitters, no conflicts (2 of 4 stars). 2 submissions from 2 submitters: Uncertain significance (2). Last evaluated 2026-03-10.

Conditions:
KCNC2-related disorder.

Submissions (2):

GeneDx
Classification: Uncertain significance. Last evaluated: 2026-03-10. Review status: criteria provided, single submitter. Criteria: GeneDx Variant Classification Process June 2021. Collection method: clinical testing. Allele origin: germline.
Comment: Not observed at significant frequency in large population cohorts (gnomAD); In silico analysis supports that this missense variant has a deleterious effect on protein structure/function; Has not been previously published as pathogenic or benign to our knowledge

PreventionGenetics, part of Exact Sciences
Classification: Uncertain significance for KCNC2-related condition. Last evaluated: 2026-03-04. Review status: criteria provided, single submitter. Criteria: ACMG Guidelines, 2015. Collection method: clinical testing. Allele origin: germline.
Comment: The KCNC2 c.1292C>T variant is predicted to result in the amino acid substitution p.Ala431Val. To our knowledge, this variant has not been reported in the literature or in a large population database (gnomAD), indicating this variant is rare. At this time, the clinical significance of this variant is uncertain due to the absence of conclusive functional and genetic evidence.

NM_139137.4(KCNC2):c.1292C>T (p.Ala431Val)

Gene: KCNC2 (potassium voltage-gated channel subfamily C member 2; minus strand). Cytogenetic location: 12q21.1.
Variant type: single nucleotide variant.
Coding change: c.1292C>T on transcript NM_139137.4 (MANE Select); coding-DNA position 1292, C replaced by T.
Protein change: p.Ala431Val; replaces alanine 431 with valine.
Molecular consequence: missense variant. On other transcripts: non-coding transcript variant (1).
Genome position (GRCh38, 1-based): chr12:75,050,713, G>A on the plus strand (C>T on the coding strand, the complement: KCNC2 is on the minus strand). VCF-style: chr12-75050713-G-A. GRCh37 (hg19) VCF-style: chr12-75444493-G-A.
Other names: c.1292C>T, p.Ala431Val (NM_001260497.2, NM_001260498.2, NM_001260499.2 and 13 more transcripts); short protein forms A431V.
Identifiers: ClinVar variation 2632556 (VCV002632556.4), dbSNP rs2547843863, ClinGen allele CA385925427.